The following is an entry in ClinVar:

ClinVar aggregate classification (germline): Pathogenic (1 of 4 stars; one submission).

Conditions:
Primary ciliary dyskinesia. Also called: Ciliary dyskinesia. Identifiers: Orphanet 244, MedGen C0008780, MONDO:0016575, HP:0012265.

Submission:

Labcorp Genetics (formerly Invitae), Labcorp
Classification: Pathogenic for Primary ciliary dyskinesia. Last evaluated: 2024-10-08. Review status: criteria provided, single submitter. Criteria: Invitae Variant Classification Sherloc (09022015). Collection method: clinical testing. Allele origin: germline.
Comment: This sequence change creates a premature translational stop signal (p.Gly271Valfs*50) in the DNAAF5 gene. It is expected to result in an absent or disrupted protein product. Loss-of-function variants in DNAAF5 are known to be pathogenic (PMID: 24307375, 25232951). This variant is not present in population databases (gnomAD no frequency). This variant has not been reported in the literature in individuals affected with DNAAF5-related conditions. ClinVar contains an entry for this variant (Variation ID: 1943301). For these reasons, this variant has been classified as Pathogenic.

Literature cited by the submitters: PubMed 24307375; PubMed 25232951.

NM_017802.4(DNAAF5):c.810_822del (p.Gly271fs)

Gene: DNAAF5 (dynein axonemal assembly factor 5; plus strand). Cytogenetic location: 7p22.3.
Variant type: Deletion.
Coding change: c.810_822del on transcript NM_017802.4 (MANE Select); coding-DNA positions 810 to 822, 13 bases deleted (CGGCTGGCTGCTG).
Protein change: p.Gly271fs; shifts the reading frame from glycine 271.
Molecular consequence: frameshift variant. On other transcripts: non-coding transcript variant (1).
Genome position (GRCh38, 1-based): chr7:740,848-740,860, CGGCTGGCTGCTG deleted; deleting any 13 consecutive bases within chr7:740,847-740,860 gives the same sequence; the c. name uses the placement nearest the transcript's 3' end. VCF-style (leftmost placement, unchanged base first): chr7-740846-GGCGGCTGGCTGCT-G. GRCh37 (hg19) VCF-style: chr7-780483-GGCGGCTGGCTGCT-G.
Other names: short protein forms G271fs.
Identifiers: ClinVar variation 1943301 (VCV001943301.5), dbSNP rs2484056741, ClinGen allele CA2580076700.